The following is an entry in ClinVar:

ClinVar aggregate classification (germline): Benign/Likely benign. Review status: criteria provided, multiple submitters, no conflicts (2 of 4 stars). 12 submissions from 11 submitters: Benign (4); Likely benign (6). 2 of the submissions do not count toward it. Last evaluated 2026-02-01.

Conditions:
Connective tissue disorder. Also called: Connective tissue disease. Identifiers: MedGen C0009782, MONDO:0003900.
Fibromuscular dysplasia, multifocal. Identifiers: MedGen C5543412, MONDO:0859151, OMIM 619329.
Ehlers-Danlos syndrome (EDS). Identifiers: Orphanet 98249, MedGen C0013720, MONDO:0020066.
Ehlers-Danlos syndrome, classic type, 1 (EDSCL1). Also called: Ehlers-Danlos Syndrome, Classic Type, COL5A1-Related; EHLERS-DANLOS SYNDROME, GRAVIS TYPE; EHLERS-DANLOS SYNDROME, SEVERE CLASSIC TYPE; Ehlers-Danlos syndrome, type 1; EDS I. Identifiers: MedGen C0268335, MONDO:0019567, OMIM 130000.

Allele frequency attached by ClinVar (database versions not stated): ExAC 0.00011; 1000 Genomes Project 0.00020; TOPMed 0.00014; ESP Exome Variant Server 0.00015; gnomAD 0.00009; gnomAD exomes 0.00009 and 0.00016; 1000 Genomes Project 30x 0.00016.
gnomAD v4.1: 237 of 1,614,022 alleles (0.015%); highest among the groups gnomAD compares: Non-Finnish European, 0.019%; 1 homozygote.

Submissions (12):

Labcorp Genetics (formerly Invitae), Labcorp
Classification: Likely benign for Ehlers-Danlos syndrome, classic type, 1. Last evaluated: 2026-02-01. Review status: criteria provided, single submitter. Criteria: Invitae Variant Classification Sherloc (09022015). Collection method: clinical testing. Allele origin: germline.

Mayo Clinic Laboratories, Mayo Clinic
Classification: Likely benign. Last evaluated: 2025-11-20. Review status: criteria provided, single submitter. Criteria: ACMG Guidelines, 2015. Collection method: clinical testing. Allele origin: germline. Observed: 3 variant alleles.
Comment: BS1, BP4, BP7

Women's Health and Genetics/Laboratory Corporation of America, LabCorp
Classification: Benign. Last evaluated: 2025-04-15. Review status: criteria provided, single submitter. Criteria: LabCorp Variant Classification Summary - May 2015. Collection method: clinical testing. Allele origin: germline.
Comment: Variant summary: COL5A1 c.3691-9T>C alters a non-conserved nucleotide located at a position not widely known to affect splicing. Consensus agreement among computation tools predict no significant impact on normal splicing. However, these predictions have yet to be confirmed by functional studies. The variant allele was found at a frequency of 8.8e-05 in 251296 control chromosomes, predominantly at a frequency of 0.00017 within the Non-Finnish European subpopulation in the gnomAD database. The observed variant frequency within Non-Finnish European control individuals in the gnomAD database is approximately 5 fold of the estimated maximal expected allele frequency for a pathogenic variant in COL5A1 causing Ehlers-Danlos Syndrome phenotype (3.1e-05). To our knowledge, no occurrence of c.3691-9T>C in individuals affected with Ehlers-Danlos Syndrome and no experimental evidence demonstrating its impact on protein function have been reported. ClinVar contains an entry for this variant (Variation ID: 212901). Based on the evidence outlined above, the variant was classified as benign.

Genome Diagnostics Laboratory, The Hospital for Sick Children
Classification: Likely benign for Ehlers-Danlos syndrome. Last evaluated: 2022-07-16. Review status: criteria provided, single submitter. Criteria: ACMG Guidelines, 2015. Collection method: clinical testing. Allele origin: germline.

ARUP Laboratories, Molecular Genetics and Genomics, ARUP Laboratories
Classification: Likely benign. Last evaluated: 2022-06-30. Review status: criteria provided, single submitter. Criteria: ARUP Molecular Germline Variant Investigation Process 2021. Collection method: clinical testing. Allele origin: germline.

Genome-Nilou Lab
Classification: Benign for Ehlers-Danlos syndrome, classic type, 1. Last evaluated: 2022-03-15. Review status: criteria provided, single submitter. Criteria: ACMG Guidelines, 2015. Collection method: clinical testing. Allele origin: germline. Affected: no.

Genome-Nilou Lab
Classification: Benign for Fibromuscular dysplasia, multifocal. Last evaluated: 2022-03-15. Review status: criteria provided, single submitter. Criteria: ACMG Guidelines, 2015. Collection method: clinical testing. Allele origin: germline. Affected: no.

Center for Human Genetics, Inc
Classification: Likely benign for Connective tissue disorder. Last evaluated: 2016-11-01. Review status: criteria provided, single submitter. Criteria: ACMG Guidelines, 2015. Collection method: clinical testing. Allele origin: germline. Affected: yes.

GeneDx
Classification: Benign. Last evaluated: 2015-03-02. Review status: criteria provided, single submitter. Criteria: GeneDx Variant Classification (06012015). Collection method: clinical testing. Allele origin: germline. Affected: yes.
Comment: This variant is considered likely benign or benign based on one or more of the following criteria: it is a conservative change, it occurs at a poorly conserved position in the protein, it is predicted to be benign by multiple in silico algorithms, and/or has population frequency not consistent with disease.

PreventionGenetics, part of Exact Sciences
Classification: Likely benign. Review status: criteria provided, single submitter. Criteria: ACMG Guidelines, 2015. Collection method: clinical testing. Allele origin: germline.

Clinical Genetics DNA and cytogenetics Diagnostics Lab, Erasmus MC, Erasmus Medical Center
Classification: Likely benign. Review status: no assertion criteria provided. Collection method: clinical testing. Allele origin: germline. Affected: yes. Study: VKGL Data-share Consensus. Not counted in ClinVar's aggregate classification.

Genome Diagnostics Laboratory, University Medical Center Utrecht
Classification: Likely benign. Review status: no assertion criteria provided. Collection method: clinical testing. Allele origin: germline. Affected: yes. Study: VKGL Data-share Consensus. Not counted in ClinVar's aggregate classification.

NM_000093.5(COL5A1):c.3691-9T>C

Gene: COL5A1 (collagen type V alpha 1 chain; plus strand). Cytogenetic location: 9q34.3.
Variant type: single nucleotide variant.
Coding change: c.3691-9T>C on transcript NM_000093.5 (MANE Select); 9 bases into the intron before coding-DNA position 3691, T replaced by C.
Molecular consequence: intron variant.
Genome position (GRCh38, 1-based): chr9:134,812,440, T>C. VCF-style: chr9-134812440-T-C. GRCh37 (hg19) VCF-style: chr9-137704286-T-C.
Other names: p.?; c.3691-9T>C (NM_001278074.1).
Identifiers: ClinVar variation 212901 (VCV000212901.26), dbSNP rs187584029, ClinGen allele CA324798.
Genomic context (GRCh38, chr9:134,812,440, plus strand): 5'-GAAAGCTGTGTGTGTGTTTGACATACACATGACAGAACAGCGCTTAACTGGGAAGTTTCC[T>C]GTTCTCAGGGTTTGCCAGGACCTCCAGGCGAGAAGGGTGAGACAGGAGACGTGGGCCAGA-3'